The following is an entry in ClinVar:

NM_001367624.2(ZNF469):c.8098C>G (p.Pro2700Ala)

Gene: ZNF469 (zinc finger protein 469; plus strand). Cytogenetic location: 16q24.2.
Variant type: single nucleotide variant.
Coding change: c.8098C>G on transcript NM_001367624.2 (MANE Select); coding-DNA position 8098, C replaced by G.
Protein change: p.Pro2700Ala; replaces proline 2700 with alanine.
Molecular consequence: missense variant.
Genome position (GRCh38, 1-based): chr16:88,435,568, C>G. VCF-style: chr16-88435568-C-G. GRCh37 (hg19) VCF-style: chr16-88501976-C-G.
Other names: NM_001127464.1:c.8014C>G; short protein forms P2700A.
Identifiers: ClinVar variation 2564226 (VCV002564226.2), dbSNP rs920053452, ClinGen allele CA397115915.
Genomic context (GRCh38, chr16:88,435,568, plus strand): 5'-TCTGTGGAAGGAGGGCCTGAGGCTGACGGGGAGCAGCCGCCTCGCTTGGCCACTCTGGGA[C>G]CTGGGGTGATGGAGGGTGCAGCGGAGACTGACCAGGAGGCTCTGTGTGCAGGGGAGACTG-3'
Protein context (NP_001354553.1, residues 2690-2710): EQPPRLATLG[Pro2700Ala]GVMEGAAETD

ClinVar aggregate classification (germline): Uncertain significance (1 of 4 stars; one submission).

Conditions:
Cardiovascular phenotype. Identifiers: MedGen CN230736.

Allele frequency attached by ClinVar (database versions not stated): gnomAD exomes 0.00001.
gnomAD v4.1: 5 of 1,549,932 alleles (0.00032%); highest among the groups gnomAD compares: Non-Finnish European, 0.000087%; no homozygotes.

Submission:

Ambry Genetics
Classification: Uncertain significance for Cardiovascular phenotype. Last evaluated: 2023-04-25. Review status: criteria provided, single submitter. Criteria: Ambry Variant Classification Scheme 2023. Collection method: clinical testing. Allele origin: germline.
Comment: The p.P2672A variant (also known as c.8014C>G), located in coding exon 2 of the ZNF469 gene, results from a C to G substitution at nucleotide position 8014. The proline at codon 2672 is replaced by alanine, an amino acid with highly similar properties. This amino acid position is not well conserved in available vertebrate species. In addition, this alteration is predicted to be tolerated by in silico analysis. Since supporting evidence is limited at this time, the clinical significance of this alteration remains unclear.